The following is an entry in ClinVar:

ClinVar aggregate classification (germline): Likely benign. Review status: criteria provided, multiple submitters, no conflicts (2 of 4 stars). 2 submissions from 2 submitters: Likely benign (2). Last evaluated 2026-07-01.

Allele frequency attached by ClinVar (database versions not stated): 1000 Genomes Project 0.00359; 1000 Genomes Project 30x 0.00390; ExAC 0.00537; ESP Exome Variant Server 0.00562; TOPMed 0.00587; gnomAD 0.00648.
gnomAD v4.1: 11,522 of 1,614,144 alleles (0.71%); highest among the groups gnomAD compares: Non-Finnish European, 0.81%; 59 homozygotes.

Submissions (2):

CeGaT Center for Human Genetics Tuebingen
Classification: Likely benign. Last evaluated: 2026-07-01. Review status: criteria provided, single submitter. Criteria: CeGaT Center For Human Genetics Tuebingen Variant Classification Criteria Version 2. Collection method: clinical testing. Allele origin: germline. Affected: yes. Observed: 9 variant alleles.
Comment: TRIM22: BP4, BS2

Women's Health and Genetics/Laboratory Corporation of America, LabCorp
Classification: Likely benign. Last evaluated: 2024-12-16. Review status: criteria provided, single submitter. Criteria: LabCorp Variant Classification Summary - May 2015. Collection method: clinical testing. Allele origin: germline.
Comment: Variant summary: TRIM22 c.1324C>T (p.Arg442Cys) results in a non-conservative amino acid change located in the B30.2/SPRY domain (IPR001870) of the encoded protein sequence. Three of five in-silico tools predict a damaging effect of the variant on protein function. The variant allele was found at a frequency of 0.006 in 251378 control chromosomes in the gnomAD database, including 5 homozygotes. The observed variant frequency exceeds the estimated maximal expected allele frequency for a pathogenic variant in TRIM22 causing TRIM22-related inflammatory bowel disease phenotype. c.1324C>T has been reported in the literature in individuals affected with unspecified inherited disease (Ashton_2020). These report(s) do not provide unequivocal conclusions about association of the variant with TRIM22-related inflammatory bowel disease. At least one publication reports experimental evidence evaluating an impact on protein function, however, does not allow convincing conclusions about the variant effect (Li_2016). The following publications have been ascertained in the context of this evaluation (PMID: 32463623, 26836588). ClinVar contains an entry for this variant (Variation ID: 2641542). Based on the evidence outlined above, the variant was classified as likely benign.

Literature cited by the submitters: PubMed 32463623 (cited by Women's Health and Genetics/Laboratory Corporation of America, LabCorp); PubMed 26836588 (cited by Women's Health and Genetics/Laboratory Corporation of America, LabCorp).

NM_006074.5(TRIM22):c.1324C>T (p.Arg442Cys)

Gene: TRIM22 (tripartite motif containing 22; plus strand). Cytogenetic location: 11p15.4.
Variant type: single nucleotide variant.
Coding change: c.1324C>T on transcript NM_006074.5 (MANE Select); coding-DNA position 1324, C replaced by T.
Protein change: p.Arg442Cys; replaces arginine 442 with cysteine.
Molecular consequence: missense variant.
Genome position (GRCh38, 1-based): chr11:5,709,475, C>T. VCF-style: chr11-5709475-C-T. GRCh37 (hg19) VCF-style: chr11-5730705-C-T.
Other names: c.1312C>T, p.Arg438Cys (NM_001199573.2); short protein forms R438C, R442C.
Identifiers: ClinVar variation 2641542 (VCV002641542.25), dbSNP rs187416296, ClinGen allele CA5846099.